The following is an entry in ClinVar:

ClinVar aggregate classification (germline): Pathogenic/Likely pathogenic. Review status: criteria provided, multiple submitters, no conflicts (2 of 4 stars). 3 submissions from 3 submitters: Pathogenic (2); Likely pathogenic (1). Last evaluated 2025-05-21.

Conditions:
Peroxisome biogenesis disorder. Identifiers: Orphanet 79189, MedGen C1832200, MONDO:0019234. Disease mechanism: loss of function.
Zellweger spectrum disorders (ZS). Also called: Zellweger syndrome; Zellweger Spectrum Disorder (ZSD); Zellweger Spectrum Disorder; Zellweger Spectrum. Identifiers: Orphanet 912, MedGen C0043459, MONDO:0019609.

Submissions (3):

Natera, Inc.
Classification: Likely pathogenic for Zellweger syndrome. Last evaluated: 2025-05-21. Review status: criteria provided, single submitter. Criteria: Natera Variant Classification Schema (03/2026). Collection method: clinical testing. Allele origin: germline.
Comment: The c.1012_1016del variant in PEX1 is a frameshift variant predicted to shift the reading frame beginning at codon 338 and leads to a stop codon 8 codons downstream. This variant is expected to result in nonsense mediated decay, truncation, or a dysfunctional protein product. This variant is rare in the general population with a frequency below the threshold expected for the associated phenotype(s). Given the available evidence, this variant is classified as Likely Pathogenic.

Myriad Genetics, Inc.
Classification: Pathogenic for Peroxisome biogenesis disorder. Last evaluated: 2024-04-11. Review status: criteria provided, single submitter. Criteria: Myriad Autosomal Dominant, Autosomal Recessive and X-Linked Classification Criteria (2023). Collection method: clinical testing. Allele origin: unknown.
Comment: NM_000466.2(PEX1):c.1012_1016del5(L338Ffs*8) is expected to be pathogenic in the context of peroxisome biogenesis disorder type 1. This variant is predicted to lead to an abnormal or absent protein product due to the creation of a premature termination codon in PEX1, a gene where loss-of-function variants are known to be pathogenic. Please note: this variant was assessed in the context of healthy population screening.

Labcorp Genetics (formerly Invitae), Labcorp
Classification: Pathogenic for Zellweger spectrum disorders. Last evaluated: 2021-11-13. Review status: criteria provided, single submitter. Criteria: Invitae Variant Classification Sherloc (09022015). Collection method: clinical testing. Allele origin: germline.
Comment: This variant has not been reported in the literature in individuals affected with PEX1-related conditions. For these reasons, this variant has been classified as Pathogenic. This variant is not present in population databases (gnomAD no frequency). This sequence change creates a premature translational stop signal (p.Leu338Phefs*8) in the PEX1 gene. It is expected to result in an absent or disrupted protein product. Loss-of-function variants in PEX1 are known to be pathogenic (PMID: 9398847, 16086329, 16141001, 21031596, 26387595, 31831025).

Literature cited by the submitters: PubMed 9398847 (cited by Labcorp Genetics (formerly Invitae), Labcorp); PubMed 16086329 (cited by Labcorp Genetics (formerly Invitae), Labcorp); PubMed 16141001 (cited by Labcorp Genetics (formerly Invitae), Labcorp); PubMed 21031596 (cited by Labcorp Genetics (formerly Invitae), Labcorp); PubMed 26387595 (cited by Labcorp Genetics (formerly Invitae), Labcorp); PubMed 31831025 (cited by Labcorp Genetics (formerly Invitae), Labcorp).

NM_000466.3(PEX1):c.1012_1016del (p.Leu338fs)

Gene: PEX1 (peroxisomal biogenesis factor 1; minus strand). Cytogenetic location: 7q21.2.
Variant type: Deletion.
Coding change: c.1012_1016del on transcript NM_000466.3 (MANE Select); coding-DNA positions 1012 to 1016, 5 bases deleted (CTACT; older notation c.1012_1016delCTACT).
Protein change: p.Leu338fs; shifts the reading frame from leucine 338.
Molecular consequence: frameshift variant.
Genome position (GRCh38, 1-based): chr7:92,517,499-92,517,503, AGTAG deleted on the plus strand (CTACT on the coding strand, the reverse complement: PEX1 is on the minus strand). VCF-style (leftmost placement, unchanged base first): chr7-92517498-AAGTAG-A. GRCh37 (hg19) VCF-style: chr7-92146812-AAGTAG-A.
Other names: c.1012_1016del, p.Leu338fs (NM_001282677.2); c.388_392del, p.Leu130fs (NM_001282678.2); c.1012_1016del (NM_000466.2); short protein forms L338fs, L130fs.
Identifiers: ClinVar variation 1449434 (VCV001449434.9), dbSNP rs2116243800, ClinGen allele CA2573142423.